The following is an entry in ClinVar:

NM_001242896.3(DEPDC5):c.3803G>A (p.Arg1268Gln)

Gene: DEPDC5 (DEP domain containing 5, GATOR1 subcomplex subunit; plus strand). Cytogenetic location: 22q12.3.
Variant type: single nucleotide variant.
Coding change: c.3803G>A on transcript NM_001242896.3 (MANE Select); coding-DNA position 3803, G replaced by A.
Protein change: p.Arg1268Gln; replaces arginine 1268 with glutamine.
Molecular consequence: missense variant. On other transcripts: non-coding transcript variant (2).
Genome position (GRCh38, 1-based): chr22:31,876,263, G>A. VCF-style: chr22-31876263-G-A. GRCh37 (hg19) VCF-style: chr22-32272249-G-A.
Other names: c.3776G>A, p.Arg1259Gln (NM_001136029.4); c.3503G>A, p.Arg1168Gln (NM_001242897.2); c.3737G>A, p.Arg1246Gln (NM_001363852.2, NM_001364320.2); c.3569G>A, p.Arg1190Gln (NM_001363854.2, NM_001364319.2); c.3803G>A, p.Arg1268Gln (NM_001364318.2); c.3719G>A, p.Arg1240Gln (NM_001369901.1, NM_001369902.1); c.3710G>A, p.Arg1237Gln (NM_001369903.1, NM_014662.6); short protein forms R1168Q, R1268Q, R1190Q, R1246Q, R1259Q, R1237Q, R1240Q.
Identifiers: ClinVar variation 264764 (VCV000264764.3), dbSNP rs886039281, ClinGen allele CA10588053.

ClinVar aggregate classification (germline): Uncertain significance. Review status: criteria provided, single submitter (1 of 4 stars). 2 submissions from 2 submitters: Uncertain significance (1). 1 of the submissions does not count toward it. Last evaluated 2025-09-25.

Conditions:
Familial focal epilepsy with variable foci (FPEVF). Identifiers: Orphanet 98820, MedGen C1858477, MONDO:0020310.
Epilepsy, familial focal, with variable foci 1 (FFEVF1). Also called: DEPDC5-Related Epilepsy. Identifiers: MedGen C4551983, MONDO:0024556, OMIM 604364.

Allele frequency attached by ClinVar (database versions not stated): gnomAD 0.00001 and below 0.00001; gnomAD exomes below 0.00001.
gnomAD v4.1: 11 of 1,613,280 alleles (0.00068%); highest among the groups gnomAD compares: East Asian, 0.0022%; no homozygotes.

Submissions (2):

Labcorp Genetics (formerly Invitae), Labcorp
Classification: Uncertain significance for Familial focal epilepsy with variable foci. Last evaluated: 2025-09-25. Review status: criteria provided, single submitter. Criteria: Invitae Variant Classification Sherloc (09022015). Collection method: clinical testing. Allele origin: germline.
Comment: This sequence change replaces arginine, which is basic and polar, with glutamine, which is neutral and polar, at codon 1268 of the DEPDC5 protein (p.Arg1268Gln). This variant is present in population databases (no rsID available, gnomAD 0.003%). This missense change has been observed in individual(s) with temporal lobe epilepsy (PMID: 26505888). ClinVar contains an entry for this variant (Variation ID: 264764). Experimental studies and prediction algorithms are not available or were not evaluated, and the functional significance of this variant is currently unknown. In summary, the available evidence is currently insufficient to determine the role of this variant in disease. Therefore, it has been classified as a Variant of Uncertain Significance.

GeneReviews
No classification provided. Condition: Epilepsy, familial focal, with variable foci 1. Review status: no classification provided. Collection method: literature only. Allele origin: germline. Affected: yes. Not counted in ClinVar's aggregate classification.

Literature cited by the submitters: PubMed 26505888 (cited by Labcorp Genetics (formerly Invitae), Labcorp and GeneReviews); NCBI Bookshelf NBK385626 (cited by GeneReviews).